The following is an entry in ClinVar:

ClinVar aggregate classification (germline): Pathogenic (1 of 4 stars; one submission).

Conditions:
Odonto-onycho-dermal dysplasia. Identifiers: Orphanet 2721, MedGen C0796093, MONDO:0009773, OMIM 257980.
Tooth agenesis, selective, 4 (STHAG4). Also called: LATERAL INCISORS, ABSENCE OF; LATERAL INCISORS, PEGGED OR MISSING; SUCCEDANEOUS TEETH, AGENESIS OF; TOOTH AGENESIS, SELECTIVE, 4, WITH OR WITHOUT ECTODERMAL DYSPLASIA. Identifiers: Orphanet 99798, MedGen C1835492, MONDO:0007881, OMIM 150400. Disease mechanism: loss of function.

Submission:

Labcorp Genetics (formerly Invitae), Labcorp
Classification: Pathogenic for Tooth agenesis, selective, 4; Odonto-onycho-dermal dysplasia. Last evaluated: 2021-02-09. Review status: criteria provided, single submitter. Criteria: Invitae Variant Classification Sherloc (09022015). Collection method: clinical testing. Allele origin: germline.
Comment: This variant disrupts the C-terminus of the WNT10A protein. Other variant(s) that disrupt this region (p.Glu390*) have been determined to be pathogenic (PMID: 24902757). This suggests that variants that disrupt this region of the protein are likely to be causative of disease. For these reasons, this variant has been classified as Pathogenic. This variant has not been reported in the literature in individuals with WNT10A-related conditions. This sequence change results in a premature translational stop signal in the WNT10A gene (p.Asp217Thrfs*26). While this is not anticipated to result in nonsense mediated decay, it is expected to disrupt the last 201 amino acids of the WNT10A protein. This variant is not present in population databases (ExAC no frequency).

Literature cited by the submitters: PubMed 24902757.

NM_025216.3(WNT10A):c.648del (p.Asp217fs)

Gene: WNT10A (Wnt family member 10A; plus strand). Cytogenetic location: 2q35.
Variant type: Deletion.
Coding change: c.648del on transcript NM_025216.3 (MANE Select); coding-DNA position 648, one base deleted (C; older notation c.648delC).
Protein change: p.Asp217fs; shifts the reading frame from aspartic acid 217.
Molecular consequence: frameshift variant.
Genome position (GRCh38, 1-based): chr2:218,890,255, C deleted; the last of 4 consecutive C bases (chr2:218,890,252-218,890,255); deleting any one gives the same sequence. VCF-style (leftmost placement, unchanged base first): chr2-218890251-GC-G. GRCh37 (hg19) VCF-style: chr2-219754973-GC-G.
Other names: short protein forms D217fs.
Identifiers: ClinVar variation 1070433 (VCV001070433.9), dbSNP rs2106016375, ClinGen allele CA2499215665.